The following is an entry in ClinVar:

NM_005660.3(SLC35A2):c.112A>T (p.Ile38Leu)

Gene: SLC35A2 (solute carrier family 35 member A2; minus strand). Cytogenetic location: Xp11.23.
Variant type: single nucleotide variant.
Coding change: c.112A>T on transcript NM_005660.3 (MANE Select); coding-DNA position 112, A replaced by T.
Protein change: p.Ile38Leu; replaces isoleucine 38 with leucine.
Molecular consequence: missense variant. On other transcripts: intron variant (1).
Genome position (GRCh38, 1-based): chrX:48,909,976, T>A on the plus strand (A>T on the coding strand, the complement: SLC35A2 is on the minus strand). VCF-style: chrX-48909976-T-A. GRCh37 (hg19) VCF-style: chrX-48767253-T-A.
Other names: c.112A>T, p.Ile38Leu (NM_001032289.3, NM_001042498.3, NM_001282647.2); c.40A>T, p.Ile14Leu (NM_001282648.2); c.151A>T, p.Ile51Leu (NM_001282650.2); c.196A>T, p.Ile66Leu (NM_001282651.2); c.91+1570A>T (NM_001282649.2); short protein forms I14L, I38L, I51L, I66L.
Identifiers: ClinVar variation 1683631 (VCV001683631.2), dbSNP rs782268788, ClinGen allele CA412898043.

ClinVar aggregate classification (germline): Uncertain significance (1 of 4 stars; one submission).

Conditions:
SLC35A2-congenital disorder of glycosylation. Also called: DEVELOPMENTAL AND EPILEPTIC ENCEPHALOPATHY 22; CONGENITAL DISORDER OF GLYCOSYLATION, TYPE IIm; CDG IIm; CONGENITAL DISORDER OF GLYCOSYLATION, TYPE IIm, SOMATIC MOSAIC; EPILEPTIC ENCEPHALOPATHY, EARLY INFANTILE, 22; SLC35A2-CDG. Identifiers: Orphanet 356961, MedGen C3806688, MONDO:0010478, OMIM 300896.

Submission:

Laboratorio de Genetica e Diagnostico Molecular, Hospital Israelita Albert Einstein
Classification: Uncertain significance for SLC35A2-congenital disorder of glycosylation. Last evaluated: 2021-05-13. Review status: criteria provided, single submitter. Criteria: ACMG Guidelines, 2015. Collection method: clinical testing. Allele origin: germline. Affected: yes.
Comment: ACMG classification criteria: PM2 moderate, BP4 supporting